The following is an entry in ClinVar:

NM_005732.4(RAD50):c.1858G>A (p.Glu620Lys)

Gene: RAD50 (RAD50 double strand break repair protein; plus strand). Cytogenetic location: 5q31.1.
Variant type: single nucleotide variant.
Coding change: c.1858G>A on transcript NM_005732.4 (MANE Select); coding-DNA position 1858, G replaced by A.
Protein change: p.Glu620Lys; replaces glutamic acid 620 with lysine.
Molecular consequence: missense variant.
Genome position (GRCh38, 1-based): chr5:132,594,933, G>A. VCF-style: chr5-132594933-G-A. GRCh37 (hg19) VCF-style: chr5-131930625-G-A.
Other names: short protein forms E620K.
Identifiers: ClinVar variation 834469 (VCV000834469.11), dbSNP rs1273705472, ClinGen allele CA360947781.

ClinVar aggregate classification (germline): Uncertain significance. Review status: criteria provided, multiple submitters, no conflicts (2 of 4 stars). 2 submissions from 2 submitters: Uncertain significance (2). Last evaluated 2024-05-26.

Conditions:
Hereditary cancer-predisposing syndrome. Also called: Hereditary neoplastic syndrome; Neoplastic Syndromes, Hereditary; Tumor predisposition; Hereditary Cancer Syndrome. Identifiers: Orphanet 140162, MedGen C0027672, MeSH D009386, MONDO:0015356.

Allele frequency attached by ClinVar (database versions not stated): gnomAD exomes below 0.00001.
gnomAD v4.1: 2 of 1,609,658 alleles (0.00012%); highest among the groups gnomAD compares: Admixed American, 0.0017%; no homozygotes.

Submissions (2):

Ambry Genetics
Classification: Uncertain significance for Hereditary cancer-predisposing syndrome. Last evaluated: 2024-05-26. Review status: criteria provided, single submitter. Criteria: Ambry Variant Classification Scheme 2023. Collection method: clinical testing. Allele origin: germline.
Comment: The p.E620K variant (also known as c.1858G>A), located in coding exon 12 of the RAD50 gene, results from a G to A substitution at nucleotide position 1858. The glutamic acid at codon 620 is replaced by lysine, an amino acid with similar properties. This amino acid position is conserved. In addition, this alteration is predicted to be tolerated by in silico analysis. Based on the available evidence, the clinical significance of this variant remains unclear.

Labcorp Genetics (formerly Invitae), Labcorp
Classification: Uncertain significance for Hereditary cancer-predisposing syndrome. Last evaluated: 2019-03-11. Review status: criteria provided, single submitter. Criteria: Invitae Variant Classification Sherloc (09022015). Collection method: clinical testing. Allele origin: germline.
Comment: This sequence change replaces glutamic acid with lysine at codon 620 of the RAD50 protein (p.Glu620Lys). The glutamic acid residue is moderately conserved and there is a small physicochemical difference between glutamic acid and lysine. This variant has not been reported in the literature in individuals with RAD50-related conditions. Algorithms developed to predict the effect of missense changes on protein structure and function (SIFT, PolyPhen-2, Align-GVGD) all suggest that this variant is likely to be tolerated, but these predictions have not been confirmed by published functional studies and their clinical significance is uncertain. In summary, the available evidence is currently insufficient to determine the role of this variant in disease. Therefore, it has been classified as a Variant of Uncertain Significance. This variant is not present in population databases (ExAC no frequency).